The following is an entry in ClinVar:

ClinVar aggregate classification (germline): Uncertain significance. Review status: criteria provided, multiple submitters, no conflicts (2 of 4 stars). 2 submissions from 2 submitters: Uncertain significance (2). Last evaluated 2023-09-28.

Allele frequency attached by ClinVar (database versions not stated): TOPMed below 0.00001; gnomAD 0.00001; gnomAD exomes 0.00001 and 0.00002.
gnomAD v4.1: 29 of 1,609,600 alleles (0.0018%); highest among the groups gnomAD compares: Non-Finnish European, 0.0021%; no homozygotes.

Submissions (2):

Labcorp Genetics (formerly Invitae), Labcorp
Classification: Uncertain significance. Last evaluated: 2023-09-28. Review status: criteria provided, single submitter. Criteria: Invitae Variant Classification Sherloc (09022015). Collection method: clinical testing. Allele origin: germline.
Comment: This sequence change replaces proline, which is neutral and non-polar, with serine, which is neutral and polar, at codon 222 of the COL4A2 protein (p.Pro222Ser). This variant is present in population databases (no rsID available, gnomAD 0.003%). Advanced modeling of protein sequence and biophysical properties (such as structural, functional, and spatial information, amino acid conservation, physicochemical variation, residue mobility, and thermodynamic stability) performed at Invitae indicates that this missense variant is not expected to disrupt COL4A2 protein function. In summary, the available evidence is currently insufficient to determine the role of this variant in disease. Therefore, it has been classified as a Variant of Uncertain Significance. This variant has not been reported in the literature in individuals affected with COL4A2-related conditions. ClinVar contains an entry for this variant (Variation ID: 1211604).

GeneDx
Classification: Uncertain significance. Last evaluated: 2021-02-19. Review status: criteria provided, single submitter. Criteria: GeneDx Variant Classification Process June 2021. Collection method: clinical testing. Allele origin: germline. Affected: yes.
Comment: Not observed at a significant frequency in large population cohorts (Lek et al., 2016); In silico analysis, which includes protein predictors and evolutionary conservation, supports a deleterious effect; Has not been previously published as pathogenic or benign to our knowledge

NM_001846.4(COL4A2):c.664C>T (p.Pro222Ser)

Gene: COL4A2 (collagen type IV alpha 2 chain; plus strand). Cytogenetic location: 13q34.
Variant type: single nucleotide variant.
Coding change: c.664C>T on transcript NM_001846.4 (MANE Select); coding-DNA position 664, C replaced by T.
Protein change: p.Pro222Ser; replaces proline 222 with serine.
Molecular consequence: missense variant.
Genome position (GRCh38, 1-based): chr13:110,432,340, C>T. VCF-style: chr13-110432340-C-T. GRCh37 (hg19) VCF-style: chr13-111084687-C-T.
Other names: short protein forms P222S.
Identifiers: ClinVar variation 1211604 (VCV001211604.6), dbSNP rs1311495152, ClinGen allele CA388730402.